The following is an entry in ClinVar:

ClinVar aggregate classification (germline): Uncertain significance (1 of 4 stars; one submission).

Conditions:
Familial melanoma. Also called: Hereditary melanoma; Hereditary cutaneous melanoma. Identifiers: Orphanet 618, MedGen C1512419, MONDO:0018961.

Submission:

Labcorp Genetics (formerly Invitae), Labcorp
Classification: Uncertain significance for Familial melanoma. Last evaluated: 2019-04-25. Review status: criteria provided, single submitter. Criteria: Invitae Variant Classification Sherloc (09022015). Collection method: clinical testing. Allele origin: germline.
Comment: This variant is not present in population databases (ExAC no frequency). This sequence change replaces leucine with arginine at codon 187 of the CDK4 protein (p.Leu187Arg). The leucine residue is highly conserved and there is a moderate physicochemical difference between leucine and arginine. In summary, the available evidence is currently insufficient to determine the role of this variant in disease. Therefore, it has been classified as a Variant of Uncertain Significance. Algorithms developed to predict the effect of missense changes on protein structure and function are either unavailable or do not agree on the potential impact of this missense change (SIFT: "Deleterious"; PolyPhen-2: "Probably Damaging"; Align-GVGD: "Class C0"). This variant has not been reported in the literature in individuals with CDK4-related conditions.

NM_000075.4(CDK4):c.560T>G (p.Leu187Arg)

Gene: CDK4 (cyclin dependent kinase 4; minus strand). Cytogenetic location: 12q14.1.
Variant type: single nucleotide variant.
Coding change: c.560T>G on transcript NM_000075.4 (MANE Select); coding-DNA position 560, T replaced by G.
Protein change: p.Leu187Arg; replaces leucine 187 with arginine.
Molecular consequence: missense variant.
Genome position (GRCh38, 1-based): chr12:57,750,728, A>C on the plus strand (T>G on the coding strand, the complement: CDK4 is on the minus strand). VCF-style: chr12-57750728-A-C. GRCh37 (hg19) VCF-style: chr12-58144511-A-C.
Other names: short protein forms L187R.
Identifiers: ClinVar variation 949057 (VCV000949057.9), dbSNP rs1955226839, ClinGen allele CA385545877.